The following is an entry in ClinVar:

NM_002878.4(RAD51D):c.436C>T (p.Leu146Phe)

Genes: RAD51D (RAD51 paralog D; minus strand), RAD51L3-RFFL (RAD51L3-RFFL readthrough; minus strand). Cytogenetic location: 17q12.
Variant type: single nucleotide variant.
Coding change: c.436C>T on transcript NM_002878.4 (MANE Select); coding-DNA position 436, C replaced by T.
Protein change: p.Leu146Phe; replaces leucine 146 with phenylalanine.
Molecular consequence: missense variant. On other transcripts: non-coding transcript variant (1), intron variant (1).
Genome position (GRCh38, 1-based): chr17:35,107,032, G>A on the plus strand (C>T on the coding strand, the complement: RAD51D is on the minus strand). VCF-style: chr17-35107032-G-A. GRCh37 (hg19) VCF-style: chr17-33434051-G-A.
Other names: c.496C>T, p.Leu166Phe (NM_001142571.2); c.145-551C>T (NM_133629.3); short protein forms L146F, L166F.
Identifiers: ClinVar variation 410559 (VCV000410559.20), dbSNP rs371812219, ClinGen allele CA8499477.
Genomic context (GRCh38, chr17:35,107,032, plus strand): 5'-AGCATCCTGCCCTTACCTGTTCCTCCTCATCCTGGGTTTTAGCCTGAAGCAGCTGGAGGA[G>A]GCGGGAAGCTGTCAGCCCTCCATTGGAATCTACATATAGGACGTTTTGCTGCAGGCCATG-3'
Protein context (NP_002869.3, residues 136-156): DSNGGLTASR[Leu146Phe]LQLLQAKTQD

ClinVar aggregate classification (germline): Uncertain significance. Review status: criteria provided, multiple submitters, no conflicts (2 of 4 stars). 5 submissions from 5 submitters: Uncertain significance (5). Last evaluated 2025-12-22.

Conditions:
Hereditary cancer-predisposing syndrome. Also called: Tumor predisposition; Hereditary Cancer Syndrome; Hereditary neoplastic syndrome; Neoplastic Syndromes, Hereditary. Identifiers: Orphanet 140162, MedGen C0027672, MeSH D009386, MONDO:0015356.
Breast-ovarian cancer, familial, susceptibility to, 4. Identifiers: Orphanet 145, MedGen C3280345, MONDO:0013669, OMIM 614291.

Allele frequency attached by ClinVar (database versions not stated): gnomAD exomes below 0.00001 and 0.00001; ESP Exome Variant Server 0.00008; ExAC 0.00001; gnomAD 0.00002; TOPMed 0.00002.
gnomAD v4.1: 6 of 1,614,032 alleles (0.00037%); highest among the groups gnomAD compares: African/African-American, 0.0053%; no homozygotes.

Submissions (5):

Labcorp Genetics (formerly Invitae), Labcorp
Classification: Uncertain significance for Breast-ovarian cancer, familial, susceptibility to, 4. Last evaluated: 2025-12-22. Review status: criteria provided, single submitter. Criteria: Invitae Variant Classification Sherloc (09022015). Collection method: clinical testing. Allele origin: germline.
Comment: This sequence change replaces leucine, which is neutral and non-polar, with phenylalanine, which is neutral and non-polar, at codon 146 of the RAD51D protein (p.Leu146Phe). This variant is present in population databases (rs371812219, gnomAD 0.007%). This variant has not been reported in the literature in individuals affected with RAD51D-related conditions. ClinVar contains an entry for this variant (Variation ID: 410559). Invitae Evidence Modeling of protein sequence and biophysical properties (such as structural, functional, and spatial information, amino acid conservation, physicochemical variation, residue mobility, and thermodynamic stability) indicates that this missense variant is not expected to disrupt RAD51D protein function with a negative predictive value of 80%. In summary, the available evidence is currently insufficient to determine the role of this variant in disease. Therefore, it has been classified as a Variant of Uncertain Significance.

GeneDx
Classification: Uncertain significance. Last evaluated: 2025-06-25. Review status: criteria provided, single submitter. Criteria: GeneDx Variant Classification Process June 2021. Collection method: clinical testing. Allele origin: germline. Affected: yes.
Comment: Not observed at significant frequency in large population cohorts (gnomAD); In silico analysis supports that this missense variant has a deleterious effect on protein structure/function; Has not been previously published as pathogenic or benign to our knowledge; This variant is associated with the following publications: (PMID: 21111057, 14704354, 19327148)

Quest Diagnostics Nichols Institute San Juan Capistrano
Classification: Uncertain significance. Last evaluated: 2024-05-23. Review status: criteria provided, single submitter. Criteria: Quest Diagnostics criteria. Collection method: clinical testing. Allele origin: unknown.
Comment: The RAD51D c.436C>T (p.Leu146Phe) variant has not been reported in individuals with RAD51D-related conditions in the published literature. The frequency of this variant in the general population, 0.000008 (2/251476 chromosomes (Genome Aggregation Database)), is uninformative in the assessment of its pathogenicity. Analysis of this variant using bioinformatics tools for the prediction of the effect of amino acid changes on protein structure and function yielded conflicting predictions that this variant is benign or damaging. Based on the available information, we are unable to determine the clinical significance of this variant.

Ambry Genetics
Classification: Uncertain significance for Hereditary cancer-predisposing syndrome. Last evaluated: 2024-04-22. Review status: criteria provided, single submitter. Criteria: Ambry Variant Classification Scheme 2023. Collection method: clinical testing. Allele origin: germline.
Comment: The p.L146F variant (also known as c.436C>T), located in coding exon 5 of the RAD51D gene, results from a C to T substitution at nucleotide position 436. The leucine at codon 146 is replaced by phenylalanine, an amino acid with highly similar properties. This amino acid position is not well conserved in available vertebrate species. In addition, the in silico prediction for this alteration is inconclusive. Since supporting evidence is limited at this time, the clinical significance of this alteration remains unclear.

Baylor Genetics
Classification: Uncertain significance for Breast-ovarian cancer, familial, susceptibility to, 4. Last evaluated: 2023-10-25. Review status: criteria provided, single submitter. Criteria: ACMG Guidelines, 2015. Collection method: clinical testing. Allele origin: unknown.